The following is an entry in ClinVar:

ClinVar aggregate classification (germline): Uncertain significance (1 of 4 stars; one submission).

gnomAD v4.1: 26 of 1,572,608 alleles (0.0017%); highest among the groups gnomAD compares: African/African-American, 0.03%; no homozygotes.

Submission:

Labcorp Genetics (formerly Invitae), Labcorp
Classification: Uncertain significance. Last evaluated: 2025-02-20. Review status: criteria provided, single submitter. Criteria: Invitae Variant Classification Sherloc (09022015). Collection method: clinical testing. Allele origin: germline.
Comment: This sequence change falls in intron 6 of the FBXW7 gene. It does not directly change the encoded amino acid sequence of the FBXW7 protein. It affects a nucleotide within the consensus splice site. This variant is present in population databases (rs184895444, gnomAD 0.03%). This variant has not been reported in the literature in individuals affected with FBXW7-related conditions. Variants that disrupt the consensus splice site are a relatively common cause of aberrant splicing (PMID: 17576681, 9536098). Algorithms developed to predict the effect of sequence changes on RNA splicing suggest that this variant is not likely to affect RNA splicing. In summary, the available evidence is currently insufficient to determine the role of this variant in disease. Therefore, it has been classified as a Variant of Uncertain Significance.

Literature cited by the submitters: PubMed 17576681; PubMed 9536098.

NM_001349798.2(FBXW7):c.985+6G>A

Gene: FBXW7 (F-box and WD repeat domain containing 7; minus strand). Cytogenetic location: 4q31.3.
Variant type: single nucleotide variant.
Coding change: c.985+6G>A on transcript NM_001349798.2 (MANE Select); 6 bases into the intron after coding-DNA position 985, G replaced by A.
Molecular consequence: intron variant.
Genome position (GRCh38, 1-based): chr4:152,332,590, C>T on the plus strand (G>A on the coding strand, the complement: FBXW7 is on the minus strand). VCF-style: chr4-152332590-C-T. GRCh37 (hg19) VCF-style: chr4-153253742-C-T.
Other names: c.631+6G>A (NM_001013415.2); c.745+6G>A (NM_018315.5); c.985+6G>A (NM_033632.3).
Identifiers: ClinVar variation 4749230 (VCV004749230.1).